The following is an entry in ClinVar:

NM_003036.4(SKI):c.1271C>T (p.Pro424Leu)

Gene: SKI (SKI proto-oncogene; plus strand). Cytogenetic location: 1p36.32.
Variant type: single nucleotide variant.
Coding change: c.1271C>T on transcript NM_003036.4 (MANE Select); coding-DNA position 1271, C replaced by T.
Protein change: p.Pro424Leu; replaces proline 424 with leucine.
Molecular consequence: missense variant.
Genome position (GRCh38, 1-based): chr1:2,303,899, C>T. VCF-style: chr1-2303899-C-T. GRCh37 (hg19) VCF-style: chr1-2235338-C-T.
Other names: short protein forms P424L.
Identifiers: ClinVar variation 423663 (VCV000423663.14), dbSNP rs764317955, ClinGen allele CA536655.

ClinVar aggregate classification (germline): Conflicting classifications of pathogenicity. Review status: criteria provided, conflicting classifications (1 of 4 stars). 3 submissions from 3 submitters: Uncertain significance (2); Likely benign (1). Last evaluated 2024-07-04.

Conditions:
Familial thoracic aortic aneurysm and aortic dissection (TAAD). Also called: Thoracic aortic aneurysms and dissections. Identifiers: Orphanet 91387, MedGen C4707243, MONDO:0019625.
Shprintzen-Goldberg syndrome (SGS). Also called: SHPRINTZEN-GOLDBERG CRANIOSYNOSTOSIS SYNDROME; CRANIOSYNOSTOSIS WITH ARACHNODACTYLY AND ABDOMINAL HERNIAS; Marfanoid disorder with craniosynostosis type 1; Marfanoid craniosynostosis syndrome; Shprintzen-Goldberg marfanoid syndrome. Identifiers: Orphanet 2462, MedGen C1321551, MONDO:0008426, OMIM 182212.

Allele frequency attached by ClinVar (database versions not stated): gnomAD exomes 0.00002; ExAC 0.00001; gnomAD 0.00006 and 0.00005; TOPMed 0.00006.
gnomAD v4.1: 33 of 1,612,210 alleles (0.002%); highest among the groups gnomAD compares: African/African-American, 0.013%; no homozygotes.

Submissions (3):

Labcorp Genetics (formerly Invitae), Labcorp
Classification: Likely benign for Shprintzen-Goldberg syndrome. Last evaluated: 2024-07-04. Review status: criteria provided, single submitter. Criteria: Invitae Variant Classification Sherloc (09022015). Collection method: clinical testing. Allele origin: germline.

Ambry Genetics
Classification: Uncertain significance for Familial thoracic aortic aneurysm and aortic dissection. Last evaluated: 2024-01-23. Review status: criteria provided, single submitter. Criteria: Ambry Variant Classification Scheme 2023. Collection method: clinical testing. Allele origin: germline.

GeneDx
Classification: Uncertain significance. Last evaluated: 2017-02-23. Review status: criteria provided, single submitter. Criteria: GeneDx Variant Classification (06012015). Collection method: clinical testing. Allele origin: germline. Affected: yes.
Comment: The P424L variant in the SKI gene has not been reported previously as a pathogenic variant, nor as a benign variant, to our knowledge. The P424L variant is not observed at a significant frequency in large population cohorts (Lek et al., 2016; 1000 Genomes Consortium et al., 2015; Exome Variant Server). The P424L variant is a semi-conservative amino acid substitution, which may impact secondary protein structure as these residues differ in some properties. This substitution occurs at a position that is conserved in mammals. In silico analysis predicts this variant is probably damaging to the protein structure/function. We interpret P424L as a variant of uncertain significance.